The following is an entry in ClinVar:

ClinVar aggregate classification (germline): Benign. Review status: criteria provided, multiple submitters, no conflicts (2 of 4 stars). 5 submissions from 5 submitters: Benign (5). Last evaluated 2018-01-12.

Conditions:
Autosomal recessive nonsyndromic hearing loss 30. Identifiers: Orphanet 90636, MedGen C1846784, MONDO:0011774, OMIM 607101.

Allele frequency attached by ClinVar (database versions not stated): gnomAD exomes 0.04740 and 0.05020; ExAC 0.05697; 1000 Genomes Project 0.07408; 1000 Genomes Project 30x 0.07714; gnomAD 0.08174 and 0.08552; TOPMed 0.08655; ESP Exome Variant Server 0.09400.
gnomAD v4.1: 81,249 of 1,602,384 alleles (5.1%); highest among the groups gnomAD compares: African/African-American, 17%; 2,965 homozygotes.

Submissions (10):

Illumina Laboratory Services, Illumina
Classification: Benign for Autosomal recessive nonsyndromic hearing loss 30. Last evaluated: 2018-01-12. Review status: criteria provided, single submitter. Criteria: ICSL Variant Classification Criteria 13 December 2019. Collection method: clinical testing. Allele origin: germline.
Comment: This variant was observed in the ICSL laboratory as part of a predisposition screen in an ostensibly healthy population. It had not been previously curated by ICSL or reported in the Human Gene Mutation Database (HGMD: prior to June 1st, 2018), and was therefore a candidate for classification through an automated scoring system. Utilizing variant allele frequency, disease prevalence and penetrance estimates, and inheritance mode, an automated score was calculated to assess if this variant is too frequent to cause the disease. Based on the score and internal cut-off values, a variant classified as benign is not then subjected to further curation. The score for this variant resulted in a classification of benign for this disease.

GeneDx
Classification: Benign. Last evaluated: 2017-05-09. Review status: criteria provided, single submitter. Criteria: GeneDx Variant Classification (06012015). Collection method: clinical testing. Allele origin: germline. Affected: yes.
Comment: This variant is considered likely benign or benign based on one or more of the following criteria: it is a conservative change, it occurs at a poorly conserved position in the protein, it is predicted to be benign by multiple in silico algorithms, and/or has population frequency not consistent with disease.

Laboratory for Molecular Medicine, Mass General Brigham Personalized Medicine
Classification: Benign. Last evaluated: 2012-05-07. Review status: criteria provided, single submitter. Criteria: LMM Criteria. Collection method: clinical testing. Allele origin: germline. Observed: 139 variant alleles.
Comment: -15T>A in Exon 03 of MYO3A: This variant is not expected to have clinical signif icance because it has been identified in 16.8% (627/3736) of African American ch romosomes from a broad population by the NHLBI Exome Sequencing Project (

Breakthrough Genomics
Classification: Benign. Review status: criteria provided, single submitter. Criteria: ACMG Guidelines, 2015. Collection method: not provided. Allele origin: germline. Inheritance: Autosomal recessive inheritance. Affected: yes.

PreventionGenetics, part of Exact Sciences
Classification: Benign. Review status: criteria provided, single submitter. Criteria: ACMG Guidelines, 2015. Collection method: clinical testing. Allele origin: germline.

Dr. Peter K. Rogan Lab, Western University
No classification provided (evidence only). Condition: Malignant lymphoma, large B-cell, diffuse. Review status: no classification provided. Collection method: in vitro. Allele origin: not applicable. Functional consequence: retained intron. Not counted in ClinVar's aggregate classification.

Dr. Peter K. Rogan Lab, Western University
No classification provided (evidence only). Condition: Nonpapillary renal cell carcinoma. Review status: no classification provided. Collection method: in vitro. Allele origin: not applicable. Functional consequence: retained intron. Not counted in ClinVar's aggregate classification.

Dr. Peter K. Rogan Lab, Western University
No classification provided (evidence only). Condition: Thymoma. Review status: no classification provided. Collection method: in vitro. Allele origin: not applicable. Functional consequence: retained intron. Not counted in ClinVar's aggregate classification.

Dr. Peter K. Rogan Lab, Western University
No classification provided (evidence only). Condition: Cholangiocarcinoma. Review status: no classification provided. Collection method: in vitro. Allele origin: not applicable. Functional consequence: retained intron. Not counted in ClinVar's aggregate classification.

Dr. Peter K. Rogan Lab, Western University
No classification provided (evidence only). Condition: Malignant tumor of esophagus. Review status: no classification provided. Collection method: in vitro. Allele origin: not applicable. Functional consequence: retained intron. Not counted in ClinVar's aggregate classification.

NM_017433.5(MYO3A):c.-15T>A

Gene: MYO3A (myosin IIIA; plus strand). Cytogenetic location: 10p12.1.
Variant type: single nucleotide variant.
Coding change: c.-15T>A on transcript NM_017433.5 (MANE Select); 15 bases upstream of the start codon, T replaced by A.
Molecular consequence: 5 prime UTR variant.
Genome position (GRCh38, 1-based): chr10:25,952,096, T>A. VCF-style: chr10-25952096-T-A. GRCh37 (hg19) VCF-style: chr10-26241025-T-A.
Other names: c.-15T>A (NM_001368265.1).
Identifiers: ClinVar variation 45791 (VCV000045791.12), dbSNP rs11014875, ClinGen allele CA137049.
Genomic context (GRCh38, chr10:25,952,096, plus strand): 5'-TGTGTGCCATTTGATATCCTCAATCAACTGTAGATGAAACTGTACTTCTTATCTCCAGGT[T>A]TTTAAACCTTTGAGATGTTTCCATTAATTGGAAAAACAATCATCTTTGATAACTTTCCTG-3'